The following is an entry in ClinVar:

NM_015896.4(ZMYND10):c.478G>A (p.Gly160Arg)

Gene: ZMYND10 (zinc finger MYND-type containing 10; minus strand). Cytogenetic location: 3p21.31.
Variant type: single nucleotide variant.
Coding change: c.478G>A on transcript NM_015896.4 (MANE Select); coding-DNA position 478, G replaced by A.
Protein change: p.Gly160Arg; replaces glycine 160 with arginine.
Molecular consequence: missense variant.
Genome position (GRCh38, 1-based): chr3:50,343,339, C>T on the plus strand (G>A on the coding strand, the complement: ZMYND10 is on the minus strand). VCF-style: chr3-50343339-C-T. GRCh37 (hg19) VCF-style: chr3-50380770-C-T.
Other names: c.478G>A, p.Gly160Arg (NM_001308379.2); short protein forms G160R.
Identifiers: ClinVar variation 241069 (VCV000241069.13), dbSNP rs201896308, ClinGen allele CA2417201.

ClinVar aggregate classification (germline): Benign/Likely benign. Review status: criteria provided, multiple submitters, no conflicts (2 of 4 stars). 2 submissions from 2 submitters: Benign (1); Likely benign (1). Last evaluated 2026-01-27.

Conditions:
Primary ciliary dyskinesia. Also called: Ciliary dyskinesia. Identifiers: Orphanet 244, MedGen C0008780, MONDO:0016575, HP:0012265.

Allele frequency attached by ClinVar (database versions not stated): ESP Exome Variant Server 0.00015; gnomAD exomes 0.00021 and 0.00109; gnomAD 0.00052 and 0.00060; TOPMed 0.00068; ExAC 0.00081; 1000 Genomes Project 30x 0.00250; 1000 Genomes Project 0.00280.
gnomAD v4.1: 654 of 1,612,846 alleles (0.041%); highest among the groups gnomAD compares: East Asian, 0.76%; 19 homozygotes.

Submissions (2):

Labcorp Genetics (formerly Invitae), Labcorp
Classification: Benign for Primary ciliary dyskinesia. Last evaluated: 2026-01-27. Review status: criteria provided, single submitter. Criteria: Invitae Variant Classification Sherloc (09022015). Collection method: clinical testing. Allele origin: germline.

GeneDx
Classification: Likely benign. Last evaluated: 2022-11-08. Review status: criteria provided, single submitter. Criteria: GeneDx Variant Classification Process June 2021. Collection method: clinical testing. Allele origin: germline. Affected: yes.
Comment: See Variant Classification Assertion Criteria.